The following is an entry in ClinVar:

NM_001261826.3(AP3D1):c.806+4A>G

Gene: AP3D1 (adaptor related protein complex 3 subunit delta 1; minus strand). Cytogenetic location: 19p13.3.
Variant type: single nucleotide variant.
Coding change: c.806+4A>G on transcript NM_001261826.3 (MANE Select); 4 bases into the intron after coding-DNA position 806, A replaced by G.
Molecular consequence: intron variant.
Genome position (GRCh38, 1-based): chr19:2,129,086, T>C on the plus strand (A>G on the coding strand, the complement: AP3D1 is on the minus strand). VCF-style: chr19-2129086-T-C. GRCh37 (hg19) VCF-style: chr19-2129085-T-C.
Other names: c.806+4A>G (NM_003938.8, NM_001374799.1).
Identifiers: ClinVar variation 1439006 (VCV001439006.6), dbSNP rs747924717, ClinGen allele CA9059581.

ClinVar aggregate classification (germline): Uncertain significance (1 of 4 stars; one submission).

Allele frequency attached by ClinVar (database versions not stated): gnomAD exomes 0.00001; gnomAD 0.00002; ExAC 0.00003.
gnomAD v4.1: 6 of 1,577,830 alleles (0.00038%); highest among the groups gnomAD compares: Admixed American, 0.0056%; 1 homozygote.

Submission:

Labcorp Genetics (formerly Invitae), Labcorp
Classification: Uncertain significance. Last evaluated: 2025-11-08. Review status: criteria provided, single submitter. Criteria: Invitae Variant Classification Sherloc (09022015). Collection method: clinical testing. Allele origin: germline.
Comment: This sequence change falls in intron 8 of the AP3D1 gene. It does not directly change the encoded amino acid sequence of the AP3D1 protein. It affects a nucleotide within the consensus splice site. This variant is present in population databases (rs747924717, gnomAD no frequency). This variant has not been reported in the literature in individuals affected with AP3D1-related conditions. ClinVar contains an entry for this variant (Variation ID: 1439006). Variants that disrupt the consensus splice site are a relatively common cause of aberrant splicing (PMID: 17576681, 9536098). Algorithms developed to predict the effect of sequence changes on RNA splicing suggest that this variant is not likely to affect RNA splicing. In summary, the available evidence is currently insufficient to determine the role of this variant in disease. Therefore, it has been classified as a Variant of Uncertain Significance.

Literature cited by the submitters: PubMed 17576681; PubMed 9536098.